The following is an entry in ClinVar:

NM_199242.3(UNC13D):c.467G>A (p.Arg156Gln)

Gene: UNC13D (unc-13 homolog D; minus strand). Cytogenetic location: 17q25.1.
Variant type: single nucleotide variant.
Coding change: c.467G>A on transcript NM_199242.3 (MANE Select); coding-DNA position 467, G replaced by A.
Protein change: p.Arg156Gln; replaces arginine 156 with glutamine.
Molecular consequence: missense variant.
Genome position (GRCh38, 1-based): chr17:75,842,535, C>T on the plus strand (G>A on the coding strand, the complement: UNC13D is on the minus strand). VCF-style: chr17-75842535-C-T. GRCh37 (hg19) VCF-style: chr17-73838616-C-T.
Other names: p.Arg156Gln; short protein forms R156Q.
Identifiers: ClinVar variation 836840 (VCV000836840.7), dbSNP rs370610759, ClinGen allele CA8773470.

ClinVar aggregate classification (germline): Uncertain significance. Review status: criteria provided, multiple submitters, no conflicts (2 of 4 stars). 2 submissions from 2 submitters: Uncertain significance (2). Last evaluated 2023-04-13.

Conditions:
Familial hemophagocytic lymphohistiocytosis 3 (FHL3). Also called: UNC13D-Related Familial Hemophagocytic Lymphohistiocytosis (UNC13D-fHLH). Identifiers: Orphanet 540, MedGen C1837174, MONDO:0012146, OMIM 608898.

Allele frequency attached by ClinVar (database versions not stated): ExAC 0.00003; gnomAD exomes 0.00004; TOPMed 0.00006; ESP Exome Variant Server 0.00008; gnomAD 0.00009 and 0.00011.

Submissions (2):

Mayo Clinic Laboratories, Mayo Clinic
Classification: Uncertain significance. Last evaluated: 2023-04-13. Review status: criteria provided, single submitter. Criteria: ACMG Guidelines, 2015. Collection method: clinical testing. Allele origin: germline. Observed: 1 variant allele.
Comment: BP4

Labcorp Genetics (formerly Invitae), Labcorp
Classification: Uncertain significance for Familial hemophagocytic lymphohistiocytosis 3. Last evaluated: 2022-07-13. Review status: criteria provided, single submitter. Criteria: Invitae Variant Classification Sherloc (09022015). Collection method: clinical testing. Allele origin: germline.
Comment: This sequence change replaces arginine, which is basic and polar, with glutamine, which is neutral and polar, at codon 156 of the UNC13D protein (p.Arg156Gln). This variant is present in population databases (rs370610759, gnomAD 0.01%). This variant has not been reported in the literature in individuals affected with UNC13D-related conditions. ClinVar contains an entry for this variant (Variation ID: 836840). Algorithms developed to predict the effect of missense changes on protein structure and function output the following: SIFT: "Not Available"; PolyPhen-2: "Benign"; Align-GVGD: "Not Available". The glutamine amino acid residue is found in multiple mammalian species, which suggests that this missense change does not adversely affect protein function. In summary, the available evidence is currently insufficient to determine the role of this variant in disease. Therefore, it has been classified as a Variant of Uncertain Significance.